The following is an entry in ClinVar:

ClinVar aggregate classification (germline): Conflicting classifications of pathogenicity. Review status: criteria provided, conflicting classifications (1 of 4 stars). 2 submissions from 2 submitters: Uncertain significance (1); Likely benign (1). Last evaluated 2025-08-06.

Conditions:
Cardiovascular phenotype. Identifiers: MedGen CN230736.
Naxos disease (NXD). Also called: KERATOSIS PALMOPLANTARIS WITH ARRHYTHMOGENIC CARDIOMYOPATHY; MAL DE NAXOS; PALMOPLANTAR KERATODERMA WITH ARRHYTHMOGENIC RIGHT VENTRICULAR CARDIOMYOPATHY AND WOOLLY HAIR; WOOLLY HAIR, PALMOPLANTAR KERATODERMA, AND CARDIAC ABNORMALITIES; CARDIOMYOPATHY, ARRHYTHMOGENIC RIGHT VENTRICULAR, WITH SKIN, HAIR, AND NAIL ABNORMALITIES. Identifiers: Orphanet 34217, MedGen C1832600, MONDO:0011017, OMIM 601214.
Arrhythmogenic right ventricular dysplasia 12. Also called: ARRHYTHMOGENIC RIGHT VENTRICULAR DYSPLASIA, FAMILIAL, 12. Identifiers: MedGen C1969081, MONDO:0012684, OMIM 611528.

Allele frequency attached by ClinVar (database versions not stated): ExAC 0.00001; gnomAD 0.00001; gnomAD exomes 0.00001 and 0.00002.
gnomAD v4.1: 4 of 1,608,060 alleles (0.00025%); highest among the groups gnomAD compares: Non-Finnish European, 0.00034%; no homozygotes.

Submissions (2):

Labcorp Genetics (formerly Invitae), Labcorp
Classification: Uncertain significance for Arrhythmogenic right ventricular dysplasia 12; Naxos disease. Last evaluated: 2025-08-06. Review status: criteria provided, single submitter. Criteria: Invitae Variant Classification Sherloc (09022015). Collection method: clinical testing. Allele origin: germline.
Comment: This sequence change replaces glycine, which is neutral and non-polar, with aspartic acid, which is acidic and polar, at codon 227 of the JUP protein (p.Gly227Asp). The frequency data for this variant in the population databases is considered unreliable, as metrics indicate poor data quality at this position in the gnomAD database. This variant has not been reported in the literature in individuals affected with JUP-related conditions. ClinVar contains an entry for this variant (Variation ID: 1523779). An algorithm developed to predict the effect of missense changes on protein structure and function (PolyPhen-2) suggests that this variant is likely to be disruptive. In summary, the available evidence is currently insufficient to determine the role of this variant in disease. Therefore, it has been classified as a Variant of Uncertain Significance.

Ambry Genetics
Classification: Likely benign for Cardiovascular phenotype. Last evaluated: 2023-05-22. Review status: criteria provided, single submitter. Criteria: Ambry Variant Classification Scheme 2023. Collection method: clinical testing. Allele origin: germline.

NM_002230.4(JUP):c.680G>A (p.Gly227Asp)

Gene: JUP (junction plakoglobin; minus strand). Cytogenetic location: 17q21.2.
Variant type: single nucleotide variant.
Coding change: c.680G>A on transcript NM_002230.4 (MANE Select); coding-DNA position 680, G replaced by A.
Protein change: p.Gly227Asp; replaces glycine 227 with aspartic acid.
Molecular consequence: missense variant.
Genome position (GRCh38, 1-based): chr17:41,768,996, C>T on the plus strand (G>A on the coding strand, the complement: JUP is on the minus strand). VCF-style: chr17-41768996-C-T. GRCh37 (hg19) VCF-style: chr17-39925248-C-T.
Other names: c.680G>A, p.Gly227Asp (NM_001352773.2, NM_001352774.2, NM_001352775.2 and 3 more transcripts); c.680G>A (NM_002230.2); short protein forms G227D.
Identifiers: ClinVar variation 1523779 (VCV001523779.7), dbSNP rs782010606, ClinGen allele CA8565415.